The following is an entry in ClinVar:

ClinVar aggregate classification (germline): Uncertain significance (1 of 4 stars; one submission).

Submission:

Labcorp Genetics (formerly Invitae), Labcorp
Classification: Uncertain significance. Last evaluated: 2025-12-10. Review status: criteria provided, single submitter. Criteria: Invitae Variant Classification Sherloc (09022015). Collection method: clinical testing. Allele origin: germline.
Comment: This sequence change replaces alanine, which is neutral and non-polar, with valine, which is neutral and non-polar, at codon 198 of the THBD protein (p.Ala198Val). The frequency data for this variant in the population databases is considered unreliable, as metrics indicate poor data quality at this position in the gnomAD database. This variant has not been reported in the literature in individuals affected with THBD-related conditions. Invitae Evidence Modeling of protein sequence and biophysical properties (such as structural, functional, and spatial information, amino acid conservation, physicochemical variation, residue mobility, and thermodynamic stability) indicates that this missense variant is not expected to disrupt THBD protein function with a negative predictive value of 80%. In summary, the available evidence is currently insufficient to determine the role of this variant in disease. Therefore, it has been classified as a Variant of Uncertain Significance.

NM_000361.3(THBD):c.593C>T (p.Ala198Val)

Gene: THBD (thrombomodulin; minus strand). Cytogenetic location: 20p11.21.
Variant type: single nucleotide variant.
Coding change: c.593C>T on transcript NM_000361.3 (MANE Select); coding-DNA position 593, C replaced by T.
Protein change: p.Ala198Val; replaces alanine 198 with valine.
Molecular consequence: missense variant.
Genome position (GRCh38, 1-based): chr20:23,048,912, G>A on the plus strand (C>T on the coding strand, the complement: THBD is on the minus strand). VCF-style: chr20-23048912-G-A. GRCh37 (hg19) VCF-style: chr20-23029549-G-A.
Other names: short protein forms A198V.
Identifiers: ClinVar variation 4774580 (VCV004774580.1).